The following is an entry in ClinVar:

ClinVar aggregate classification (germline): Uncertain significance (1 of 4 stars; one submission).

Allele frequency attached by ClinVar (database versions not stated): gnomAD exomes below 0.00001.
gnomAD v4.1: 1 of 1,614,234 alleles (0.000062%); highest among the groups gnomAD compares: Non-Finnish European, 0.000085%; no homozygotes.

Submission:

GeneDx
Classification: Uncertain significance. Last evaluated: 2022-03-25. Review status: criteria provided, single submitter. Criteria: GeneDx Variant Classification Process June 2021. Collection method: clinical testing. Allele origin: germline. Affected: yes.
Comment: Not observed at significant frequency in large population cohorts (gnomAD); In silico analysis supports that this missense variant has a deleterious effect on protein structure/function; Has not been previously published as pathogenic or benign to our knowledge

NM_014225.6(PPP2R1A):c.1450C>T (p.Pro484Ser)

Gene: PPP2R1A (protein phosphatase 2 scaffold subunit Aalpha; plus strand). Cytogenetic location: 19q13.41.
Variant type: single nucleotide variant.
Coding change: c.1450C>T on transcript NM_014225.6 (MANE Select); coding-DNA position 1450, C replaced by T.
Protein change: p.Pro484Ser; replaces proline 484 with serine.
Molecular consequence: missense variant. On other transcripts: non-coding transcript variant (1).
Genome position (GRCh38, 1-based): chr19:52,221,065, C>T. VCF-style: chr19-52221065-C-T. GRCh37 (hg19) VCF-style: chr19-52724318-C-T.
Other names: c.913C>T, p.Pro305Ser (NM_001363656.2); short protein forms P305S, P484S.
Identifiers: ClinVar variation 1706999 (VCV001706999.2), dbSNP rs2514101149, ClinGen allele CA407190255.